The following is an entry in ClinVar:

ClinVar aggregate classification (germline): Uncertain significance (1 of 4 stars; one submission).

Allele frequency attached by ClinVar (database versions not stated): gnomAD 0.00001; gnomAD exomes 0.00001 and 0.00002; TOPMed 0.00002; ESP Exome Variant Server 0.00008.
gnomAD v4.1: 16 of 1,614,004 alleles (0.00099%); highest among the groups gnomAD compares: African/African-American, 0.0027%; no homozygotes.

Submission:

Labcorp Genetics (formerly Invitae), Labcorp
Classification: Uncertain significance. Last evaluated: 2021-06-24. Review status: criteria provided, single submitter. Criteria: Invitae Variant Classification Sherloc (09022015). Collection method: clinical testing. Allele origin: germline.
Comment: This variant is present in population databases (rs144742948, ExAC 0.006%). In summary, the available evidence is currently insufficient to determine the role of this variant in disease. Therefore, it has been classified as a Variant of Uncertain Significance. Algorithms developed to predict the effect of sequence changes on RNA splicing suggest that this variant may create or strengthen a splice site. Algorithms developed to predict the effect of missense changes on protein structure and function (SIFT, PolyPhen-2, Align-GVGD) all suggest that this variant is likely to be tolerated. This variant has not been reported in the literature in individuals affected with SZT2-related conditions. This sequence change replaces arginine with glutamine at codon 1837 of the SZT2 protein (p.Arg1837Gln). The arginine residue is highly conserved and there is a small physicochemical difference between arginine and glutamine.

NM_001365999.1(SZT2):c.5681G>A (p.Arg1894Gln)

Gene: SZT2 (SZT2 subunit of KICSTOR complex; plus strand). Cytogenetic location: 1p34.2.
Variant type: single nucleotide variant.
Coding change: c.5681G>A on transcript NM_001365999.1 (MANE Select); coding-DNA position 5681, G replaced by A.
Protein change: p.Arg1894Gln; replaces arginine 1894 with glutamine.
Molecular consequence: missense variant.
Genome position (GRCh38, 1-based): chr1:43,433,067, G>A. VCF-style: chr1-43433067-G-A. GRCh37 (hg19) VCF-style: chr1-43898738-G-A.
Other names: c.5510G>A, p.Arg1837Gln (NM_015284.4); short protein forms R1894Q, R1837Q.
Identifiers: ClinVar variation 1433487 (VCV001433487.8), dbSNP rs144742948, ClinGen allele CA809664.